The following is an entry in ClinVar:

NM_000302.4(PLOD1):c.1806C>G (p.His602Gln)

Gene: PLOD1 (procollagen-lysine,2-oxoglutarate 5-dioxygenase 1; plus strand). Cytogenetic location: 1p36.22.
Variant type: single nucleotide variant.
Coding change: c.1806C>G on transcript NM_000302.4 (MANE Select); coding-DNA position 1806, C replaced by G.
Protein change: p.His602Gln; replaces histidine 602 with glutamine.
Molecular consequence: missense variant.
Genome position (GRCh38, 1-based): chr1:11,970,720, C>G. VCF-style: chr1-11970720-C-G. GRCh37 (hg19) VCF-style: chr1-12030777-C-G.
Other names: c.1947C>G, p.His649Gln (NM_001316320.2); short protein forms H602Q, H649Q.
Identifiers: ClinVar variation 1780478 (VCV001780478.4), dbSNP rs546775471, ClinGen allele CA598572.

ClinVar aggregate classification (germline): Uncertain significance. Review status: criteria provided, multiple submitters, no conflicts (2 of 4 stars). 2 submissions from 2 submitters: Uncertain significance (2). Last evaluated 2022-07-30.

Conditions:
Ehlers-Danlos syndrome, kyphoscoliotic type 1 (EDSKSCL1). Also called: EHLERS-DANLOS SYNDROME, TYPE VIA; Ehlers-Danlos syndrome, hydroxylysine-deficient; EHLERS-DANLOS SYNDROME, OCULAR-SCOLIOTIC TYPE; PLOD1-Related Kyphoscoliotic Ehlers-Danlos Syndrome. Identifiers: Orphanet 1900, MedGen C0268342, MONDO:0016002, OMIM 225400. Disease mechanism: loss of function.
Familial thoracic aortic aneurysm and aortic dissection (TAAD). Also called: Thoracic aortic aneurysms and dissections. Identifiers: Orphanet 91387, MedGen C4707243, MONDO:0019625.

Allele frequency attached by ClinVar (database versions not stated): gnomAD 0.00002; TOPMed 0.00002; 1000 Genomes Project 30x 0.00016; 1000 Genomes Project 0.00020.

Submissions (2):

Labcorp Genetics (formerly Invitae), Labcorp
Classification: Uncertain significance for Ehlers-Danlos syndrome, kyphoscoliotic type 1. Last evaluated: 2022-07-30. Review status: criteria provided, single submitter. Criteria: Invitae Variant Classification Sherloc (09022015). Collection method: clinical testing. Allele origin: germline.
Comment: This sequence change replaces histidine, which is basic and polar, with glutamine, which is neutral and polar, at codon 602 of the PLOD1 protein (p.His602Gln). This variant is present in population databases (rs546775471, gnomAD 0.006%). This variant has not been reported in the literature in individuals affected with PLOD1-related conditions. Algorithms developed to predict the effect of missense changes on protein structure and function are either unavailable or do not agree on the potential impact of this missense change (SIFT: "Deleterious"; PolyPhen-2: "Possibly Damaging"; Align-GVGD: "Class C0"). Algorithms developed to predict the effect of sequence changes on RNA splicing suggest that this variant may create or strengthen a splice site. In summary, the available evidence is currently insufficient to determine the role of this variant in disease. Therefore, it has been classified as a Variant of Uncertain Significance.

Ambry Genetics
Classification: Uncertain significance for Familial thoracic aortic aneurysm and aortic dissection. Last evaluated: 2022-04-09. Review status: criteria provided, single submitter. Criteria: Ambry Variant Classification Scheme 2023. Collection method: clinical testing. Allele origin: germline.
Comment: The p.H602Q variant (also known as c.1806C>G), located in coding exon 17 of the PLOD1 gene, results from a C to G substitution at nucleotide position 1806. The histidine at codon 602 is replaced by glutamine, an amino acid with highly similar properties. This amino acid position is conserved. In addition, this alteration is predicted to be deleterious by in silico analysis. Since supporting evidence is limited at this time, the clinical significance of this alteration remains unclear.